The following is an entry in ClinVar:

ClinVar aggregate classification (germline): Uncertain significance. Review status: criteria provided, multiple submitters, no conflicts (2 of 4 stars). 4 submissions from 4 submitters: Uncertain significance (4). Last evaluated 2026-09-01.

Conditions:
Muscular dystrophy, limb-girdle, autosomal recessive 23. Identifiers: Orphanet 565837, MedGen C4748327, MONDO:0029136, OMIM 618138.
Merosin deficient congenital muscular dystrophy (MDC1A). Also called: Congenital merosin-deficient muscular dystrophy 1A; Congenital Muscular Dystrophy Type 1A (MDC1A). Identifiers: Orphanet 258, MedGen C1263858, MONDO:0011925, OMIM 607855.
LAMA2-related muscular dystrophy (LAMA2-RD). Also called: Laminin alpha 2-related dystrophy. Identifiers: MedGen C5679788, MONDO:0100228.

Submissions (4):

CeGaT Center for Human Genetics Tuebingen
Classification: Uncertain significance. Last evaluated: 2026-09-01. Review status: criteria provided, single submitter. Criteria: CeGaT Center For Human Genetics Tuebingen Variant Classification Criteria Version 2. Collection method: clinical testing. Allele origin: germline. Affected: yes. Observed: 1 variant allele.
Comment: LAMA2: PM2

Labcorp Genetics (formerly Invitae), Labcorp
Classification: Uncertain significance for LAMA2-related muscular dystrophy. Last evaluated: 2025-12-01. Review status: criteria provided, single submitter. Criteria: Invitae Variant Classification Sherloc (09022015). Collection method: clinical testing. Allele origin: germline.
Comment: This sequence change replaces arginine, which is basic and polar, with leucine, which is neutral and non-polar, at codon 362 of the LAMA2 protein (p.Arg362Leu). This variant is present in population databases (no rsID available, gnomAD 0.02%). This variant has not been reported in the literature in individuals affected with LAMA2-related conditions. ClinVar contains an entry for this variant (Variation ID: 543853). An algorithm developed to predict the effect of missense changes on protein structure and function (PolyPhen-2) suggests that this variant is likely to be tolerated. In summary, the available evidence is currently insufficient to determine the role of this variant in disease. Therefore, it has been classified as a Variant of Uncertain Significance.

Revvity Omics, Revvity
Classification: Uncertain significance. Last evaluated: 2023-09-15. Review status: criteria provided, single submitter. Criteria: ACMG Guidelines, 2015. Collection method: clinical testing. Allele origin: germline.

Juno Genomics, Hangzhou Juno Genomics, Inc
Classification: Uncertain significance for Merosin deficient congenital muscular dystrophy; Muscular dystrophy, limb-girdle, autosomal recessive 23. Review status: criteria provided, single submitter. Criteria: ACMG Guidelines, 2015. Collection method: clinical testing. Allele origin: germline.
Comment: Absent from controls (or at extremely low frequency if recessive) in Genome Aggregation Database.

NM_000426.4(LAMA2):c.1084_1085delinsTT (p.Arg362Leu)

Gene: LAMA2 (laminin subunit alpha 2; plus strand). Cytogenetic location: 6q22.33.
Variant type: Indel.
Coding change: c.1084_1085delinsTT on transcript NM_000426.4 (MANE Select); coding-DNA positions 1084 to 1085, AG replaced by TT.
Protein change: p.Arg362Leu; replaces arginine 362 with leucine.
Molecular consequence: missense variant.
Genome position (GRCh38, 1-based): chr6:129,154,561-129,154,562, AG replaced by TT. VCF-style: chr6-129154561-AG-TT. GRCh37 (hg19) VCF-style: chr6-129475706-AG-TT.
Other names: c.1084_1085delAGinsTT (NM_000426.3); c.1084_1085delinsTT, p.Arg362Leu (NM_001079823.2); short protein forms R362L.
Identifiers: ClinVar variation 543853 (VCV000543853.8), dbSNP rs1554228141, ClinGen allele CA658796812.